The following is an entry in ClinVar:

ClinVar aggregate classification (germline): Pathogenic. Review status: reviewed by expert panel (3 of 4 stars). 2 submissions from 2 submitters: Pathogenic (1). 1 of the submissions does not count toward it. Last evaluated 2017-12-15.

Conditions:
Breast-ovarian cancer, familial, susceptibility to, 1 (BROVCA1). Also called: OVARIAN CANCER, SUSCEPTIBILITY TO; BRCA1 Hereditary Breast and Ovarian Cancer. Identifiers: Orphanet 145, MedGen C2676676, MONDO:0011450, OMIM 604370. Disease mechanism: loss of function.
Familial cancer of breast. Also called: Hereditary breast cancer; hereditary breast carcinoma; BREAST CANCER, FAMILIAL. Identifiers: Orphanet 227535, MedGen C0346153, MONDO:0016419, OMIM 114480. Disease mechanism: loss of function.

Submissions (2):

Evidence-based Network for the Interpretation of Germline Mutant Alleles (ENIGMA)
Classification: Pathogenic for Breast-ovarian cancer, familial, susceptibility to, 1. Last evaluated: 2017-12-15. Review status: reviewed by expert panel. Criteria: ENIGMA BRCA1/2 Classification Criteria (2017-06-29). Collection method: curation. Allele origin: germline. Study: ENIGMA.
Comment: Variant allele predicted to encode a truncated non-functional protein.

ClinVar Staff, National Center for Biotechnology Information (NCBI)
No classification provided. Condition: Familial cancer of breast. Review status: no classification provided. Collection method: literature only. Allele origin: germline. Affected: yes. Not counted in ClinVar's aggregate classification.

Literature cited by the submitters: PubMed 15117986 (cited by ClinVar Staff, National Center for Biotechnology Information (NCBI)).

NM_007294.4(BRCA1):c.1517_1521del (p.Arg506fs)

Gene: BRCA1 (BRCA1 DNA repair associated; minus strand). Cytogenetic location: 17q21.31.
Variant type: Deletion.
Coding change: c.1517_1521del on transcript NM_007294.4 (MANE Select); coding-DNA positions 1517 to 1521, 5 bases deleted (GGAGA; older notation c.1517_1521delGGAGA).
Protein change: p.Arg506fs; shifts the reading frame from arginine 506.
Molecular consequence: frameshift variant. On other transcripts: intron variant (137).
Genome position (GRCh38, 1-based): chr17:43,094,010-43,094,014, TCTCC deleted on the plus strand (GGAGA on the coding strand, the reverse complement: BRCA1 is on the minus strand); deleting any 5 consecutive bases within chr17:43,094,010-43,094,015 gives the same sequence; the c. name uses the placement nearest the transcript's 3' end. VCF-style (leftmost placement, unchanged base first): chr17-43094009-GTCTCC-G. GRCh37 (hg19) VCF-style: chr17-41246026-GTCTCC-G.
Other names: c.1517_1521delGGAGA (NM_007294.3); c.1013_1017del, p.Arg338fs (NM_001407965.1); c.629_633del, p.Arg210fs (NM_001407966.1, NM_001407967.1); c.1376_1380del, p.Arg459fs (NM_007297.4, NM_001407692.1, NM_001407694.1 and 29 more transcripts); c.1517_1521del, p.Arg506fs (NM_007300.4, NM_001407581.1, NM_001407582.1 and 30 more transcripts); c.646+730_646+734del (NM_001408458.1, NM_001408469.1, NM_001408453.1 and 11 more transcripts); c.283+730_283+734del (NM_001408512.1); c.406+730_406+734del (NM_001408510.1); and 41 more; short protein forms R459fs, R506fs, R394fs, R395fs, R458fs, R465fs, R505fs, R210fs.
Identifiers: ClinVar variation 54282 (VCV000054282.3), dbSNP rs397508879, ClinGen allele CA001023.